The following is an entry in ClinVar:

NM_001278669.2(NFATC1):c.118G>A (p.Ala40Thr)

Gene: NFATC1 (nuclear factor of activated T cells 1; plus strand). Cytogenetic location: 18q23.
Variant type: single nucleotide variant.
Coding change: c.118G>A on transcript NM_001278669.2 (MANE Select); coding-DNA position 118, G replaced by A.
Protein change: p.Ala40Thr; replaces alanine 40 with threonine.
Molecular consequence: missense variant. On other transcripts: 5 prime UTR variant (1).
Genome position (GRCh38, 1-based): chr18:79,396,342, G>A. VCF-style: chr18-79396342-G-A. GRCh37 (hg19) VCF-style: chr18-77156342-G-A.
Other names: c.118G>A, p.Ala40Thr (NM_001278670.2, NM_006162.5, NM_172390.3); c.-200G>A (NM_172388.3); short protein forms A40T.
Identifiers: ClinVar variation 4696476 (VCV004696476.1).

ClinVar aggregate classification (germline): Uncertain significance (1 of 4 stars; one submission).

Submission:

Labcorp Genetics (formerly Invitae), Labcorp
Classification: Uncertain significance. Last evaluated: 2025-11-27. Review status: criteria provided, single submitter. Criteria: Invitae Variant Classification Sherloc (09022015). Collection method: clinical testing. Allele origin: germline.
Comment: This sequence change replaces alanine, which is neutral and non-polar, with threonine, which is neutral and polar, at codon 40 of the NFATC1 protein (p.Ala40Thr). This variant is not present in population databases (gnomAD no frequency). This variant has not been reported in the literature in individuals affected with NFATC1-related conditions. An algorithm developed to predict the effect of missense changes on protein structure and function (PolyPhen-2) suggests that this variant is likely to be tolerated. In summary, the available evidence is currently insufficient to determine the role of this variant in disease. Therefore, it has been classified as a Variant of Uncertain Significance.